The following is an entry in ClinVar:

NM_000264.5(PTCH1):c.2560+8_2560+9delinsAC

Genes: PTCH1 (patched 1; minus strand), LOC100507346 (uncharacterized LOC100507346; plus strand). Cytogenetic location: 9q22.32.
Variant type: Indel.
Coding change: c.2560+8_2560+9delinsAC on transcript NM_000264.5 (MANE Select); bases 8 to 9 of the intron after coding-DNA position 2560, GG replaced by AC.
Molecular consequence: intron variant. On other transcripts: non-coding transcript variant (1).
Genome position (GRCh38, 1-based): chr9:95,467,107-95,467,108, CC replaced by GT on the plus strand (GG replaced by AC on the coding strand, the reverse complement: PTCH1 is on the minus strand). VCF-style: chr9-95467107-CC-GT. GRCh37 (hg19) VCF-style: chr9-98229389-CC-GT.
Other names: c.2557+8_2557+9delinsAC (NM_001083603.3); c.2362+8_2362+9delinsAC (NM_001083602.3); c.2404+8_2404+9delinsAC (NM_001354918.2); c.2107+8_2107+9delinsAC (NM_001083605.3, NM_001083604.3, NM_001083606.3 and 1 more transcripts).
Identifiers: ClinVar variation 215691 (VCV000215691.12), dbSNP rs863224348, ClinGen allele CA336248.

ClinVar aggregate classification (germline): Conflicting classifications of pathogenicity. Review status: criteria provided, conflicting classifications (1 of 4 stars). 2 submissions from 2 submitters: Uncertain significance (1); Likely benign (1). Last evaluated 2026-02-19.

Conditions:
Gorlin syndrome. Also called: Nevoid Basal Cell Carcinoma Syndrome; Basal cell nevus syndrome. Identifiers: Orphanet 377, MedGen C0004779, MONDO:0007187.
Hereditary cancer-predisposing syndrome. Also called: Tumor predisposition; Hereditary neoplastic syndrome; Hereditary Cancer Syndrome; Neoplastic Syndromes, Hereditary. Identifiers: Orphanet 140162, MedGen C0027672, MeSH D009386, MONDO:0015356.

Submissions (2):

Ambry Genetics
Classification: Uncertain significance for Hereditary cancer-predisposing syndrome. Last evaluated: 2026-02-19. Review status: criteria provided, single submitter. Criteria: Ambry Variant Classification Scheme 2023. Collection method: clinical testing. Allele origin: germline.
Comment: The c.2560+8_2560+9delGGinsAC intronic variant is located 8 to 9 nucleotides after coding exon 15 of the PTCH1 gene. This variant results from the deletion of two nucleotides (GG) and the insertion of two nucleotides (AC) at nucleotide positions c.2560+8 to c.2560+9. These nucleotide positions are generally well conserved in available vertebrate species. In silico splice site analysis predicts that this alteration will not have any significant effect on splicing. Based on the available evidence, the clinical significance of this variant remains unclear.

Labcorp Genetics (formerly Invitae), Labcorp
Classification: Likely benign for Gorlin syndrome. Last evaluated: 2022-07-01. Review status: criteria provided, single submitter. Criteria: Invitae Variant Classification Sherloc (09022015). Collection method: clinical testing. Allele origin: germline.